The following is an entry in ClinVar:

ClinVar aggregate classification (germline): Benign (1 of 4 stars; one submission).

Conditions:
Intellectual developmental disorder, X-linked 21. Also called: Intellectual disability, X-linked 21; MENTAL RETARDATION, X-LINKED 34; Mental retardation, X-linked 21/34. Identifiers: Orphanet 777, MedGen C5551510, MONDO:0010256, OMIM 300143.

Allele frequency attached by ClinVar (database versions not stated): gnomAD 0.00005 and 0.00009; TOPMed 0.00022; 1000 Genomes Project 30x 0.00125; 1000 Genomes Project 0.00132.
gnomAD v4.1: 10 of 111,801 alleles (0.0089%); highest among the groups gnomAD compares: East Asian, 0.25%; no homozygotes.

Submission:

Illumina Laboratory Services, Illumina
Classification: Benign for Intellectual developmental disorder, X-linked 21. Last evaluated: 2018-01-12. Review status: criteria provided, single submitter. Criteria: ICSL Variant Classification Criteria 13 December 2019. Collection method: clinical testing. Allele origin: germline.
Comment: This variant was observed in the ICSL laboratory as part of a predisposition screen in an ostensibly healthy population. It had not been previously curated by ICSL or reported in the Human Gene Mutation Database (HGMD: prior to June 1st, 2018), and was therefore a candidate for classification through an automated scoring system. Utilizing variant allele frequency, disease prevalence and penetrance estimates, and inheritance mode, an automated score was calculated to assess if this variant is too frequent to cause the disease. Based on the score and internal cut-off values, a variant classified as benign is not then subjected to further curation. The score for this variant resulted in a classification of benign for this disease.

NM_014271.4(IL1RAPL1):c.-25+14A>C

Gene: IL1RAPL1 (interleukin 1 receptor accessory protein like 1; plus strand). Cytogenetic location: Xp21.3.
Variant type: single nucleotide variant.
Coding change: c.-25+14A>C on transcript NM_014271.4 (MANE Select); 14 bases into the intron after 25 bases upstream of the start codon, A replaced by C.
Molecular consequence: intron variant.
Genome position (GRCh38, 1-based): chrX:28,588,061, A>C. VCF-style: chrX-28588061-A-C. GRCh37 (hg19) VCF-style: chrX-28606178-A-C.
Identifiers: ClinVar variation 912343 (VCV000912343.4), dbSNP rs146138116, ClinGen allele CA328150583.